The following is an entry in ClinVar:

NM_030973.4(MED25):c.1628_1637del (p.Asn543fs)

Gene: MED25 (mediator complex subunit 25; plus strand). Cytogenetic location: 19q13.33.
Variant type: Deletion.
Coding change: c.1628_1637del on transcript NM_030973.4 (MANE Select); coding-DNA positions 1628 to 1637, 10 bases deleted (ACCACAAGCA; older notation c.1628_1637delACCACAAGCA).
Protein change: p.Asn543fs; shifts the reading frame from asparagine 543.
Molecular consequence: frameshift variant.
Genome position (GRCh38, 1-based): chr19:49,835,131-49,835,140, ACCACAAGCA deleted; deleting any 10 consecutive bases within chr19:49,835,129-49,835,140 gives the same sequence; the c. name uses the placement nearest the transcript's 3' end. VCF-style (leftmost placement, unchanged base first): chr19-49835128-CCAACCACAAG-C. GRCh37 (hg19) VCF-style: chr19-50338385-CCAACCACAAG-C.
Other names: c.1628_1637del, p.Asn543fs (NM_001378355.1); short protein forms N543fs.
Identifiers: ClinVar variation 973234 (VCV000973234.8), dbSNP rs770792425, ClinGen allele CA9585322.

ClinVar aggregate classification (germline): Conflicting classifications of pathogenicity. Review status: criteria provided, conflicting classifications (1 of 4 stars). 2 submissions from 2 submitters: Likely pathogenic (1); Uncertain significance (1). Last evaluated 2022-07-15.

Conditions:
Charcot-Marie-Tooth disease type 2. Also called: Charcot-Marie-Tooth type 2. Identifiers: Orphanet 64746, MedGen C0270914, MONDO:0018993.
Charcot-Marie-Tooth disease type 2B2 (CMT2B2). Also called: CHARCOT-MARIE-TOOTH DISEASE, AXONAL, TYPE 2B2; CHARCOT-MARIE-TOOTH DISEASE, NEURONAL, TYPE 2B2; CHARCOT-MARIE-TOOTH DISEASE, AXONAL, AUTOSOMAL RECESSIVE, TYPE 2B2; Charcot-Marie-Tooth Neuropathy Type 2B2. Identifiers: Orphanet 101101, MedGen C1854150, MONDO:0011570, OMIM 605589.
Congenital cataract-microcephaly-nevus flammeus simplex-severe intellectual disability syndrome. Also called: Basel-Vanagaite-Smirin-Yosef syndrome. Identifiers: Orphanet 464738, MedGen C4225323, MONDO:0014643, OMIM 616449.

Submissions (2):

Labcorp Genetics (formerly Invitae), Labcorp
Classification: Uncertain significance for Charcot-Marie-Tooth disease type 2. Last evaluated: 2022-07-15. Review status: criteria provided, single submitter. Criteria: Invitae Variant Classification Sherloc (09022015). Collection method: clinical testing. Allele origin: germline.
Comment: This sequence change creates a premature translational stop signal (p.Asn543Argfs*51) in the MED25 gene. It is expected to result in an absent or disrupted protein product. However, the current clinical and genetic evidence is not sufficient to establish whether loss-of-function variants in MED25 cause disease. This variant is present in population databases (rs770792425, gnomAD 0.004%). This variant has not been reported in the literature in individuals affected with MED25-related conditions. ClinVar contains an entry for this variant (Variation ID: 973234). In summary, the available evidence is currently insufficient to determine the role of this variant in disease. Therefore, it has been classified as a Variant of Uncertain Significance.

Institute for Genomic Medicine (IGM) Clinical Laboratory, Nationwide Children's Hospital
Classification: Likely pathogenic for Charcot-Marie-Tooth disease type 2B2; Congenital cataract-microcephaly-nevus flammeus simplex-severe intellectual disability syndrome. Last evaluated: 2019-01-07. Review status: criteria provided, single submitter. Criteria: ACMG Guidelines, 2015. Collection method: clinical testing. Allele origin: germline. Affected: yes.
Comment: [ACMG/AMP: PVS1, PM2] This alteration is a null variant in a gene where LOF is a known mechanism of disease [PVS1], is absent from or rarely observed in large-scale population databases [PM2].